The following is an entry in ClinVar:

NM_015100.4(POGZ):c.1702G>C (p.Ala568Pro)

Gene: POGZ (pogo transposable element derived with ZNF domain; minus strand). Cytogenetic location: 1q21.3.
Variant type: single nucleotide variant.
Coding change: c.1702G>C on transcript NM_015100.4 (MANE Select); coding-DNA position 1702, G replaced by C.
Protein change: p.Ala568Pro; replaces alanine 568 with proline.
Molecular consequence: missense variant.
Genome position (GRCh38, 1-based): chr1:151,412,373, C>G on the plus strand (G>C on the coding strand, the complement: POGZ is on the minus strand). VCF-style: chr1-151412373-C-G. GRCh37 (hg19) VCF-style: chr1-151384849-C-G.
Other names: c.1675G>C, p.Ala559Pro (NM_001194937.2); c.1516G>C, p.Ala506Pro (NM_001194938.2); c.1723G>C, p.Ala575Pro (NM_001410860.1); c.1417G>C, p.Ala473Pro (NM_145796.4); c.1543G>C, p.Ala515Pro (NM_207171.2); short protein forms A473P, A506P, A515P, A559P, A568P, A575P.
Identifiers: ClinVar variation 3767718 (VCV003767718.1).

ClinVar aggregate classification (germline): Uncertain significance (1 of 4 stars; one submission).

Submission:

GeneDx
Classification: Uncertain significance. Last evaluated: 2024-09-03. Review status: criteria provided, single submitter. Criteria: GeneDx Variant Classification Process June 2021. Collection method: clinical testing. Allele origin: germline. Affected: yes.
Comment: Not observed at significant frequency in large population cohorts (gnomAD); In silico analysis supports that this missense variant has a deleterious effect on protein structure/function; Has not been previously published as pathogenic or benign to our knowledge